The following is an entry in ClinVar:

NM_001174147.2(LMX1B):c.781C>T (p.Arg261Cys)

Gene: LMX1B (LIM homeobox transcription factor 1 beta; plus strand). Cytogenetic location: 9q33.3.
Variant type: single nucleotide variant.
Coding change: c.781C>T on transcript NM_001174147.2 (MANE Select); coding-DNA position 781, C replaced by T.
Protein change: p.Arg261Cys; replaces arginine 261 with cysteine.
Molecular consequence: missense variant.
Genome position (GRCh38, 1-based): chr9:126,693,563, C>T. VCF-style: chr9-126693563-C-T. GRCh37 (hg19) VCF-style: chr9-129455842-C-T.
Other names: c.781C>T, p.Arg261Cys (NM_001174146.2, NM_002316.4); short protein forms R261C.
Identifiers: ClinVar variation 265491 (VCV000265491.10), dbSNP rs886039576, ClinGen allele CA10588465.

ClinVar aggregate classification (germline): Pathogenic/Likely pathogenic. Review status: criteria provided, multiple submitters, no conflicts (2 of 4 stars). 4 submissions from 4 submitters: Pathogenic (3); Likely pathogenic (1). Last evaluated 2025-07-27.

Conditions:
LMX1B-related disorder. Also called: LMX1B-related condition.
Nail-patella syndrome (NPS). Also called: FONG DISEASE; ONYCHOOSTEODYSPLASIA; TURNER-KIESER SYNDROME. Identifiers: Orphanet 2614, MedGen C0027341, MONDO:0008061, OMIM 161200.

Allele frequency attached by ClinVar (database versions not stated): gnomAD exomes below 0.00001.

Submissions (4):

Labcorp Genetics (formerly Invitae), Labcorp
Classification: Pathogenic. Last evaluated: 2025-07-27. Review status: criteria provided, single submitter. Criteria: Invitae Variant Classification Sherloc (09022015). Collection method: clinical testing. Allele origin: germline.
Comment: This sequence change replaces arginine, which is basic and polar, with cysteine, which is neutral and slightly polar, at codon 261 of the LMX1B protein (p.Arg261Cys). This variant is not present in population databases (gnomAD no frequency). This missense change has been observed in individuals with clinical features of nail patella syndrome (PMID: 15498463; internal data). It has also been observed to segregate with disease in related individuals. ClinVar contains an entry for this variant (Variation ID: 265491). Invitae Evidence Modeling of protein sequence and biophysical properties (such as structural, functional, and spatial information, amino acid conservation, physicochemical variation, residue mobility, and thermodynamic stability) indicates that this missense variant is expected to disrupt LMX1B protein function with a positive predictive value of 80%. This variant disrupts the p.Arg261 amino acid residue in LMX1B. Other variant(s) that disrupt this residue have been determined to be pathogenic (internal data). This suggests that this residue is clinically significant, and that variants that disrupt this residue are likely to be disease-causing. For these reasons, this variant has been classified as Pathogenic.

GeneDx
Classification: Pathogenic. Last evaluated: 2024-11-13. Review status: criteria provided, single submitter. Criteria: GeneDx Variant Classification Process June 2021. Collection method: clinical testing. Allele origin: germline. Affected: yes.
Comment: In silico analysis supports that this missense variant has a deleterious effect on protein structure/function; Not observed at significant frequency in large population cohorts (gnomAD); This variant is associated with the following publications: (PMID: 15498463)

Blueprint Genetics
Classification: Likely pathogenic for LMX1B-related disorders. Last evaluated: 2019-12-20. Review status: criteria provided, single submitter. Criteria: ACMG Guidelines, 2015. Collection method: clinical testing. Allele origin: germline. Affected: yes. Observed: 1 variant allele.

Fulgent Genetics
Classification: Pathogenic for Nail-patella syndrome. Last evaluated: 2018-10-31. Review status: criteria provided, single submitter. Criteria: ACMG Guidelines, 2015. Collection method: clinical testing. Allele origin: unknown.

Literature cited by the submitters: PubMed 15498463 (cited by Labcorp Genetics (formerly Invitae), Labcorp).